The following is an entry in ClinVar:

ClinVar aggregate classification (germline): Uncertain significance (1 of 4 stars; one submission).

Allele frequency attached by ClinVar (database versions not stated): gnomAD 0.00001; gnomAD exomes 0.00004; ExAC 0.00007; TOPMed 0.00001.
gnomAD v4.1: 26 of 1,606,118 alleles (0.0016%); highest among the groups gnomAD compares: East Asian, 0.056%; no homozygotes.

Submission:

Ambry Genetics
Classification: Uncertain significance. Last evaluated: 2025-11-20. Review status: criteria provided, single submitter. Criteria: Ambry Variant Classification Scheme 2023. Collection method: clinical testing. Allele origin: germline.
Comment: The c.2359C>G (p.P787A) alteration is located in exon 5 (coding exon 5) of the FAM186B gene. This alteration results from a C to G substitution at nucleotide position 2359, causing the proline (P) at amino acid position 787 to be replaced by an alanine (A). Based on data from gnomAD, the G allele has an overall frequency of 0.005% (14/272640) total alleles studied. The highest observed frequency was 0.071% (14/19740) of East Asian alleles. Based on insufficient or conflicting evidence, the clinical significance of this alteration remains unclear.

NM_032130.3(FAM186B):c.2359C>G (p.Pro787Ala)

Gene: FAM186B (family with sequence similarity 186 member B; minus strand). Cytogenetic location: 12q13.12.
Variant type: single nucleotide variant.
Coding change: c.2359C>G on transcript NM_032130.3 (MANE Select); coding-DNA position 2359, C replaced by G.
Protein change: p.Pro787Ala; replaces proline 787 with alanine.
Molecular consequence: missense variant. On other transcripts: non-coding transcript variant (1).
Genome position (GRCh38, 1-based): chr12:49,598,760, G>C on the plus strand (C>G on the coding strand, the complement: FAM186B is on the minus strand). VCF-style: chr12-49598760-G-C. GRCh37 (hg19) VCF-style: chr12-49992543-G-C.
Other names: short protein forms P787A.
Identifiers: ClinVar variation 3092186 (VCV003092186.2), dbSNP rs760921646, ClinGen allele CA6554498.